The following is an entry in ClinVar:

NM_007272.3(CTRC):c.202T>A (p.Phe68Ile)

Gene: CTRC (chymotrypsin C; plus strand). Cytogenetic location: 1p36.21.
Variant type: single nucleotide variant.
Coding change: c.202T>A on transcript NM_007272.3 (MANE Select); coding-DNA position 202, T replaced by A.
Protein change: p.Phe68Ile; replaces phenylalanine 68 with isoleucine.
Molecular consequence: missense variant.
Genome position (GRCh38, 1-based): chr1:15,440,562, T>A. VCF-style: chr1-15440562-T-A. GRCh37 (hg19) VCF-style: chr1-15767058-T-A.
Other names: short protein forms F68I.
Identifiers: ClinVar variation 618057 (VCV000618057.21), dbSNP rs772513025, ClinGen allele CA613257.

ClinVar aggregate classification (germline): Uncertain significance. Review status: criteria provided, multiple submitters, no conflicts (2 of 4 stars). 3 submissions from 3 submitters: Uncertain significance (3). Last evaluated 2025-08-02.

Conditions:
Hereditary pancreatitis (PCTT). Also called: Hereditary chronic pancreatitis; PRSS1-Related Hereditary Pancreatitis. Identifiers: Orphanet 676, MedGen C0238339, MONDO:0008185, OMIM 167800.

Allele frequency attached by ClinVar (database versions not stated): gnomAD 0.00001; gnomAD exomes 0.00001 and 0.00005; TOPMed 0.00001; ExAC 0.00003.

Submissions (3):

Ambry Genetics
Classification: Uncertain significance for Hereditary pancreatitis. Last evaluated: 2025-08-02. Review status: criteria provided, single submitter. Criteria: Ambry Variant Classification Scheme 2023. Collection method: clinical testing. Allele origin: germline.
Comment: The p.F68I variant (also known as c.202T>A), located in coding exon 3 of the CTRC gene, results from a T to A substitution at nucleotide position 202. The phenylalanine at codon 68 is replaced by isoleucine, an amino acid with highly similar properties. This variant has been detected in an individual with pancreatic cancer, and in vitro assays from one group suggested this variant may impact protein function (Tamura K et al. Proc. Natl. Acad. Sci. U.S.A., 2018 05;115:4767-4772). This amino acid position is poorly conserved in available vertebrate species. In addition, the in silico prediction for this alteration is inconclusive. Since supporting evidence is limited at this time, the clinical significance of this alteration remains unclear.

Labcorp Genetics (formerly Invitae), Labcorp
Classification: Uncertain significance for Hereditary pancreatitis. Last evaluated: 2024-09-08. Review status: criteria provided, single submitter. Criteria: Invitae Variant Classification Sherloc (09022015). Collection method: clinical testing. Allele origin: germline.
Comment: This sequence change replaces phenylalanine, which is neutral and non-polar, with isoleucine, which is neutral and non-polar, at codon 68 of the CTRC protein (p.Phe68Ile). This variant is present in population databases (rs772513025, gnomAD 0.002%). This missense change has been observed in individual(s) with pancreatic cancer (PMID: 29669919). ClinVar contains an entry for this variant (Variation ID: 618057). Invitae Evidence Modeling of protein sequence and biophysical properties (such as structural, functional, and spatial information, amino acid conservation, physicochemical variation, residue mobility, and thermodynamic stability) indicates that this missense variant is not expected to disrupt CTRC protein function with a negative predictive value of 80%. Experimental studies have shown that this missense change affects CTRC function (PMID: 29669919). In summary, the available evidence is currently insufficient to determine the role of this variant in disease. Therefore, it has been classified as a Variant of Uncertain Significance.

ARUP Laboratories, Molecular Genetics and Genomics, ARUP Laboratories
Classification: Uncertain significance. Last evaluated: 2017-12-05. Review status: criteria provided, single submitter. Criteria: ARUP Molecular Germline Variant Investigation Process. Collection method: clinical testing. Allele origin: germline.

Literature cited by the submitters: PubMed 29669919 (cited by Ambry Genetics and Labcorp Genetics (formerly Invitae), Labcorp).